The following is an entry in ClinVar:

NM_018127.7(ELAC2):c.1702T>C (p.Ser568Pro)

Gene: ELAC2 (elaC ribonuclease Z 2; minus strand). Cytogenetic location: 17p12.
Variant type: single nucleotide variant.
Coding change: c.1702T>C on transcript NM_018127.7 (MANE Select); coding-DNA position 1702, T replaced by C.
Protein change: p.Ser568Pro; replaces serine 568 with proline.
Molecular consequence: missense variant.
Genome position (GRCh38, 1-based): chr17:12,995,809, A>G on the plus strand (T>C on the coding strand, the complement: ELAC2 is on the minus strand). VCF-style: chr17-12995809-A-G. GRCh37 (hg19) VCF-style: chr17-12899126-A-G.
Other names: c.1582T>C, p.Ser528Pro (NM_001165962.2); c.1699T>C, p.Ser567Pro (NM_173717.2); short protein forms S528P, S567P, S568P.
Identifiers: ClinVar variation 1518713 (VCV001518713.6), dbSNP rs2143562579, ClinGen allele CA398223712.

ClinVar aggregate classification (germline): Uncertain significance (1 of 4 stars; one submission).

Conditions:
Combined oxidative phosphorylation defect type 17. Also called: Combined oxidative phosphorylation deficiency 17. Identifiers: Orphanet 369913, MedGen C3809526, MONDO:0014190, OMIM 615440.

Submission:

Labcorp Genetics (formerly Invitae), Labcorp
Classification: Uncertain significance for Combined oxidative phosphorylation defect type 17. Last evaluated: 2021-09-21. Review status: criteria provided, single submitter. Criteria: Invitae Variant Classification Sherloc (09022015). Collection method: clinical testing. Allele origin: germline.
Comment: In summary, the available evidence is currently insufficient to determine the role of this variant in disease. Therefore, it has been classified as a Variant of Uncertain Significance. Algorithms developed to predict the effect of missense changes on protein structure and function are either unavailable or do not agree on the potential impact of this missense change (SIFT: "Deleterious"; PolyPhen-2: "Probably Damaging"; Align-GVGD: "Class C0"). This variant has not been reported in the literature in individuals affected with ELAC2-related conditions. This variant is not present in population databases (ExAC no frequency). This sequence change replaces serine with proline at codon 568 of the ELAC2 protein (p.Ser568Pro). The serine residue is moderately conserved and there is a moderate physicochemical difference between serine and proline.